The following is an entry in ClinVar:

ClinVar aggregate classification (germline): Uncertain significance. Review status: criteria provided, multiple submitters, no conflicts (2 of 4 stars). 3 submissions from 3 submitters: Uncertain significance (3). Last evaluated 2025-01-02.

Conditions:
Hereditary cancer-predisposing syndrome. Also called: Neoplastic Syndromes, Hereditary; Hereditary neoplastic syndrome; Tumor predisposition; Hereditary Cancer Syndrome. Identifiers: Orphanet 140162, MedGen C0027672, MeSH D009386, MONDO:0015356.
Neuroblastoma, susceptibility to, 3. Also called: ALK-Related Neuroblastic Tumor Susceptibility. Identifiers: Orphanet 635, MedGen C2751681, MONDO:0013083, OMIM 613014.

Allele frequency attached by ClinVar (database versions not stated): gnomAD exomes below 0.00001.
gnomAD v4.1: 1 of 1,614,126 alleles (0.000062%); highest among the groups gnomAD compares: Non-Finnish European, 0.000085%; no homozygotes.

Submissions (3):

Ambry Genetics
Classification: Uncertain significance for Hereditary cancer-predisposing syndrome. Last evaluated: 2025-01-02. Review status: criteria provided, single submitter. Criteria: Ambry Variant Classification Scheme 2023. Collection method: clinical testing. Allele origin: germline.
Comment: The p.L1227P variant (also known as c.3680T>C), located in coding exon 24 of the ALK gene, results from a T to C substitution at nucleotide position 3680. The leucine at codon 1227 is replaced by proline, an amino acid with similar properties. This amino acid position is highly conserved in available vertebrate species. In addition, this alteration is predicted to be deleterious by in silico analysis. Based on the available evidence, the clinical significance of this variant remains unclear.

Labcorp Genetics (formerly Invitae), Labcorp
Classification: Uncertain significance for Neuroblastoma, susceptibility to, 3. Last evaluated: 2023-11-24. Review status: criteria provided, single submitter. Criteria: Invitae Variant Classification Sherloc (09022015). Collection method: clinical testing. Allele origin: germline.
Comment: This sequence change replaces leucine, which is neutral and non-polar, with proline, which is neutral and non-polar, at codon 1227 of the ALK protein (p.Leu1227Pro). This variant is not present in population databases (gnomAD no frequency). This variant has not been reported in the literature in individuals affected with ALK-related conditions. ClinVar contains an entry for this variant (Variation ID: 840336). An algorithm developed to predict the effect of missense changes on protein structure and function (PolyPhen-2) suggests that this variant is likely to be disruptive. In summary, the available evidence is currently insufficient to determine the role of this variant in disease. Therefore, it has been classified as a Variant of Uncertain Significance.

Illumina Laboratory Services, Illumina
Classification: Uncertain significance for Neuroblastoma, susceptibility to, 3. Last evaluated: 2018-01-12. Review status: criteria provided, single submitter. Criteria: ICSL Variant Classification Criteria 13 December 2019. Collection method: clinical testing. Allele origin: germline.

NM_004304.5(ALK):c.3680T>C (p.Leu1227Pro)

Gene: ALK (ALK receptor tyrosine kinase; minus strand). Cytogenetic location: 2p23.2.
Variant type: single nucleotide variant.
Coding change: c.3680T>C on transcript NM_004304.5 (MANE Select); coding-DNA position 3680, T replaced by C.
Protein change: p.Leu1227Pro; replaces leucine 1227 with proline.
Molecular consequence: missense variant.
Genome position (GRCh38, 1-based): chr2:29,214,047, A>G on the plus strand (T>C on the coding strand, the complement: ALK is on the minus strand). VCF-style: chr2-29214047-A-G. GRCh37 (hg19) VCF-style: chr2-29436913-A-G.
Other names: c.476T>C, p.Leu159Pro (NM_001353765.2); short protein forms L1227P, L159P.
Identifiers: ClinVar variation 840336 (VCV000840336.16), dbSNP rs1669534712, ClinGen allele CA346471514.